The following is an entry in ClinVar:

ClinVar aggregate classification (germline): Pathogenic. Review status: criteria provided, single submitter (1 of 4 stars). 2 submissions from 2 submitters: Pathogenic (1). 1 of the submissions does not count toward it. Last evaluated 2022-04-08.

Conditions:
Glycine encephalopathy. Also called: Nonketotic hyperglycinemia; Non-ketotic hyperglycinemia. Identifiers: Orphanet 407, MedGen C0751748, MONDO:0011612, HP:0008288.

Submissions (2):

Labcorp Genetics (formerly Invitae), Labcorp
Classification: Pathogenic for Glycine encephalopathy. Last evaluated: 2022-04-08. Review status: criteria provided, single submitter. Criteria: Invitae Variant Classification Sherloc (09022015). Collection method: clinical testing. Allele origin: germline.
Comment: Algorithms developed to predict the effect of sequence changes on RNA splicing suggest that this variant may disrupt the consensus splice site. ClinVar contains an entry for this variant (Variation ID: 56035). This variant is also known as c.1002_1003insT. This premature translational stop signal has been observed in individual(s) with glycine encephalopathy (PMID: 16601880). This variant is present in population databases (rs386833516, gnomAD 0.002%). This sequence change creates a premature translational stop signal (p.Ala335Cysfs*75) in the GLDC gene. It is expected to result in an absent or disrupted protein product. Loss-of-function variants in GLDC are known to be pathogenic (PMID: 16601880). For these reasons, this variant has been classified as Pathogenic.

Juha Muilu Group; Institute for Molecular Medicine Finland (FIMM)
Classification: Likely pathogenic for Non-ketotic hyperglycinemia. Review status: no assertion criteria provided. Collection method: not provided. Allele origin: unknown. Not counted in ClinVar's aggregate classification.
Comment: FinDis database variant: This variant was not found or characterized by our laboratory, data were collected from public sources: see reference
ClinVar note: Converted during submission from probable-pathogenic to Likely pathogenic.

Literature cited by the submitters: PubMed 16601880 (cited by Labcorp Genetics (formerly Invitae), Labcorp).

NM_000170.3(GLDC):c.1002dup (p.Ala335fs)

Gene: GLDC (glycine decarboxylase; minus strand). Cytogenetic location: 9p24.1.
Variant type: Duplication.
Coding change: c.1002dup on transcript NM_000170.3 (MANE Select); coding-DNA position 1002, one base duplicated (T; older notation c.1002dupT).
Protein change: p.Ala335fs; shifts the reading frame from alanine 335.
Molecular consequence: frameshift variant.
Genome position (GRCh38, 1-based): chr9:6,604,644, A duplicated on the plus strand (T on the coding strand, the reverse complement: GLDC is on the minus strand); the first of 6 consecutive A bases (chr9:6,604,644-6,604,649); duplicating any one gives the same sequence. VCF-style (leftmost placement, unchanged base first): chr9-6604643-C-CA. GRCh37 (hg19) VCF-style: chr9-6604643-C-CA.
Other names: c.1002dupT (NM_000170.2); short protein forms A335fs.
Identifiers: ClinVar variation 56035 (VCV000056035.7), dbSNP rs386833516, ClinGen allele CA263278.
Genomic context (GRCh38, chr9:6,604,643, plus strand): 5'-TTTACCTTGTTACCCCCACCATTCTTCCAGGCATCATTCTCACCAAGCTTTCTCGGACAG[C>CA]AAAAAATGCTGCATGGGGTCCCCCATAGCCCAGTGGCACTCCAAATCTCTGGGAGCTGCC-3'